The following is an entry in ClinVar:

NM_024334.3(TMEM43):c.1022G>A (p.Arg341Gln)

Gene: TMEM43 (transmembrane protein 43; plus strand). Cytogenetic location: 3p25.1.
Variant type: single nucleotide variant.
Coding change: c.1022G>A on transcript NM_024334.3 (MANE Select); coding-DNA position 1022, G replaced by A.
Protein change: p.Arg341Gln; replaces arginine 341 with glutamine.
Molecular consequence: missense variant.
Genome position (GRCh38, 1-based): chr3:14,141,614, G>A. VCF-style: chr3-14141614-G-A. GRCh37 (hg19) VCF-style: chr3-14183114-G-A.
Other names: short protein forms R341Q.
Identifiers: ClinVar variation 927343 (VCV000927343.18), dbSNP rs749727938, ClinGen allele CA050968.

ClinVar aggregate classification (germline): Conflicting classifications of pathogenicity. Review status: criteria provided, conflicting classifications (1 of 4 stars). 5 submissions from 5 submitters: Uncertain significance (4); Likely benign (1). Last evaluated 2025-12-01.

Conditions:
Arrhythmogenic right ventricular dysplasia 5. Also called: Arrhythmogenic Right Ventricular Dysplasia/Cardiomyopathy 5; ARRHYTHMOGENIC RIGHT VENTRICULAR DYSPLASIA, FAMILIAL, 5. Identifiers: MedGen C1858379, MONDO:0011459, OMIM 604400.
Cardiomyopathy (CMYO). Also called: Cardiomyopathies. Identifiers: Orphanet 167848, MedGen C0878544, MONDO:0004994, HP:0001638. Inheritance: Various modes of inheritance.
Cardiovascular phenotype. Identifiers: MedGen CN230736.

Allele frequency attached by ClinVar (database versions not stated): gnomAD exomes 0.00001 and 0.00002; TOPMed 0.00001; ExAC 0.00002; gnomAD 0.00002 and 0.00001.
gnomAD v4.1: 13 of 1,613,984 alleles (0.00081%); highest among the groups gnomAD compares: African/African-American, 0.008%; no homozygotes.

Submissions (6):

Labcorp Genetics (formerly Invitae), Labcorp
Classification: Uncertain significance for Arrhythmogenic right ventricular dysplasia 5. Last evaluated: 2025-12-01. Review status: criteria provided, single submitter. Criteria: Invitae Variant Classification Sherloc (09022015). Collection method: clinical testing. Allele origin: germline.
Comment: This sequence change replaces arginine, which is basic and polar, with glutamine, which is neutral and polar, at codon 341 of the TMEM43 protein (p.Arg341Gln). This variant is present in population databases (rs749727938, gnomAD 0.01%). This variant has not been reported in the literature in individuals affected with TMEM43-related conditions. ClinVar contains an entry for this variant (Variation ID: 927343). Invitae Evidence Modeling of protein sequence and biophysical properties (such as structural, functional, and spatial information, amino acid conservation, physicochemical variation, residue mobility, and thermodynamic stability) indicates that this missense variant is not expected to disrupt TMEM43 protein function with a negative predictive value of 80%. In summary, the available evidence is currently insufficient to determine the role of this variant in disease. Therefore, it has been classified as a Variant of Uncertain Significance.

All of Us Research Program, National Institutes of Health
Classification: Uncertain significance for Arrhythmogenic right ventricular dysplasia 5. Last evaluated: 2024-07-29. Review status: criteria provided, single submitter. Criteria: ACMG Guidelines, 2015. Collection method: clinical testing. Allele origin: germline. Inheritance: Autosomal dominant inheritance. Observed: 3 variant alleles, 3 heterozygotes.
Comment: This missense variant replaces arginine with glutamine at codon 341 of the TMEM43 protein. Computational prediction suggests that this variant may not impact protein structure and function (internally defined REVEL score threshold <= 0.5, PMID: 27666373). To our knowledge, functional studies have not been reported for this variant. This variant has not been reported in individuals affected with cardiovascular disorders in the literature. This variant has been identified in 4/250628 chromosomes in the general population by the Genome Aggregation Database (gnomAD). The available evidence is insufficient to determine the role of this variant in disease conclusively. Therefore, this variant is classified as a Variant of Uncertain Significance.

This study involves interpretation of variants in research participants for the purpose of population health screening. Participant phenotype was not available at the time of variant classification. Additional details can be found in publication PMID: 35346344, PMCID: PMC8962531

Color Diagnostics, LLC DBA Color Health
Classification: Uncertain significance for Cardiomyopathy. Last evaluated: 2024-03-06. Review status: criteria provided, single submitter. Criteria: ACMG Guidelines, 2015. Collection method: clinical testing. Allele origin: germline.
Comment: This missense variant replaces arginine with glutamine at codon 341 of the TMEM43 protein. Computational prediction suggests that this variant may not impact protein structure and function (internally defined REVEL score threshold <= 0.5, PMID: 27666373). To our knowledge, functional studies have not been reported for this variant. This variant has not been reported in individuals affected with cardiovascular disorders in the literature. This variant has been identified in 4/250628 chromosomes in the general population by the Genome Aggregation Database (gnomAD). The available evidence is insufficient to determine the role of this variant in disease conclusively. Therefore, this variant is classified as a Variant of Uncertain Significance.

New York Genome Center
Classification: Uncertain significance for Arrhythmogenic right ventricular dysplasia 5. Last evaluated: 2023-07-27. Review status: criteria provided, single submitter. Criteria: NYGC Assertion Criteria 2020. Collection method: clinical testing. Allele origin: germline. Observed: 1 heterozygote.

Ambry Genetics
Classification: Likely benign for Cardiovascular phenotype. Last evaluated: 2021-09-26. Review status: criteria provided, single submitter. Criteria: Ambry Variant Classification Scheme 2023. Collection method: clinical testing. Allele origin: germline.

Dr. Peter K. Rogan Lab, Western University
No classification provided (evidence only). Condition: Thyroid cancer, nonmedullary, 1. Review status: no classification provided. Collection method: in vitro. Allele origin: not applicable. Functional consequence: retained intron. Not counted in ClinVar's aggregate classification.